The following is an entry in ClinVar:

NM_005592.4(MUSK):c.2065G>A (p.Val689Ile)

Gene: MUSK (muscle associated receptor tyrosine kinase; plus strand). Cytogenetic location: 9q31.3.
Variant type: single nucleotide variant.
Coding change: c.2065G>A on transcript NM_005592.4 (MANE Select); coding-DNA position 2065, G replaced by A.
Protein change: p.Val689Ile; replaces valine 689 with isoleucine.
Molecular consequence: missense variant.
Genome position (GRCh38, 1-based): chr9:110,800,443, G>A. VCF-style: chr9-110800443-G-A. GRCh37 (hg19) VCF-style: chr9-113562723-G-A.
Other names: c.1807G>A, p.Val603Ile (NM_001166280.2); c.1777G>A, p.Val593Ile (NM_001166281.2); c.805G>A, p.Val269Ile (NM_001369398.1); short protein forms V269I, V593I, V603I, V689I.
Identifiers: ClinVar variation 1714700 (VCV001714700.6), dbSNP rs1464125081, ClinGen allele CA374477937.

ClinVar aggregate classification (germline): Uncertain significance (1 of 4 stars; one submission).

Conditions:
Fetal akinesia deformation sequence 1 (FADS1). Also called: Pena-Shokeir syndrome type I; Fetal akinesia sequence. Identifiers: Orphanet 994, MedGen C1276035, MONDO:0100101, OMIM 208150, HP:0001989.
Congenital myasthenic syndrome 9. Also called: Myasthenic syndrome, congenital, 9, associated with acetylcholine receptor deficiency. Identifiers: Orphanet 590, MedGen C4225368, MONDO:0014587, OMIM 616325.

Submission:

Labcorp Genetics (formerly Invitae), Labcorp
Classification: Uncertain significance for Congenital myasthenic syndrome 9; Fetal akinesia deformation sequence 1. Last evaluated: 2022-08-01. Review status: criteria provided, single submitter. Criteria: Invitae Variant Classification Sherloc (09022015). Collection method: clinical testing. Allele origin: germline.
Comment: This sequence change replaces valine, which is neutral and non-polar, with isoleucine, which is neutral and non-polar, at codon 689 of the MUSK protein (p.Val689Ile). This variant is not present in population databases (gnomAD no frequency). This variant has not been reported in the literature in individuals affected with MUSK-related conditions. Advanced modeling of protein sequence and biophysical properties (such as structural, functional, and spatial information, amino acid conservation, physicochemical variation, residue mobility, and thermodynamic stability) performed at Invitae indicates that this missense variant is not expected to disrupt MUSK protein function. In summary, the available evidence is currently insufficient to determine the role of this variant in disease. Therefore, it has been classified as a Variant of Uncertain Significance.